The following is an entry in ClinVar:

NM_000038.6(APC):c.423-3_423-2del

Gene: APC (APC regulator of Wnt signaling pathway; plus strand). Cytogenetic location: 5q22.2.
Variant type: Deletion.
Coding change: c.423-3_423-2del on transcript NM_000038.6 (MANE Select); 3 bases into the intron before coding-DNA position 423 through the canonical splice acceptor site of the intron before coding-DNA position 423, 2 bases deleted (TA; older notation c.423-3_423-2delTA).
Molecular consequence: splice acceptor variant.
Genome position (GRCh38, 1-based): chr5:112,775,626-112,775,627, TA deleted; deleting any 2 consecutive bases within chr5:112,775,625-112,775,627 gives the same sequence; the c. name uses the placement nearest the transcript's 3' end. VCF-style (leftmost placement, unchanged base first): chr5-112775624-AAT-A. GRCh37 (hg19) VCF-style: chr5-112111321-AAT-A.
Other names: c.423-3_423-2del (NM_001354895.2, NM_001127510.3, NM_001354896.2 and 2 more transcripts); c.453-3_453-2del (NM_001354897.2, NM_001354902.2, NM_001127511.3); c.348-3_348-2del (NM_001354898.2, NM_001354904.2); c.-613-3_-613-2del (NM_001354906.2); c.246-3_246-2del (NM_001354900.2, NM_001354901.2, NM_001354905.2); c.423-3_423-2delTA (NM_000038.5).
Identifiers: ClinVar variation 217982 (VCV000217982.31), dbSNP rs863225354, ClinGen allele CA038361.
Genomic context (GRCh38, chr5:112,775,624, plus strand): 5'-ATTGCTCTTCTGCAGTCTTTATTAGCATTGTTTAAACGTACCTTTTTTTAAAAAAAAAAA[AAT>A]AGGTCATTGCTTCTTGCTGATCTTGACAAAGAAGAAAAGGAAAAAGACTGGTATTACGCT-3'

ClinVar aggregate classification (germline): Uncertain significance. Review status: reviewed by expert panel (3 of 4 stars). 8 submissions from 8 submitters: Uncertain significance (1). 7 of the submissions do not count toward it. Last evaluated 2023-02-18.

Conditions:
Hereditary cancer-predisposing syndrome. Also called: Hereditary Cancer Syndrome; Hereditary neoplastic syndrome; Neoplastic Syndromes, Hereditary; Tumor predisposition. Identifiers: Orphanet 140162, MedGen C0027672, MeSH D009386, MONDO:0015356.
Familial adenomatous polyposis 1 (FAP1). Also called: FAMILIAL ADENOMATOUS POLYPOSIS 1, ATTENUATED; POLYPOSIS, ADENOMATOUS INTESTINAL. Identifiers: MedGen C2713442, MONDO:0021056, OMIM 175100. Disease mechanism: loss of function.

Submissions (8):

ClinGen InSiGHT Hereditary Colorectal Cancer/Polyposis Variant Curation Expert Panel
Classification: Uncertain significance for Familial adenomatous polyposis 1. Last evaluated: 2023-02-18. Review status: reviewed by expert panel. Criteria: ClinGen InSiGHT HCCP VCEP ACMG Specifications APC V1. Collection method: curation. Allele origin: germline. Inheritance: Autosomal dominant inheritance.
Comment: The c.423-3_423-2del p.(?) variant in APC is an intronic variant which deletes two nucleotides at position -2 and -3 in intron 4. This variant has been reported in 3 probands meeting phenotypic criteria, resulting in a total phenotype score of 1.5 (PS4_Supporting; Ambry Genetics, GeneDX and Invitae internal data). In addition, this variant has also been reported in over 20 individuals with a polyposis phenotype not meeting phenotypic criteria. The results from 2 in silico splicing predictors (VarSEAK and MaxEntScan) indicate that this variant may affect splicing by disrupting the acceptor splice site of intron 4 of APC, but SpliceAI predicts no impact (PP3 not met). This variant is absent from gnomAD v2.1.1 non-cancer dataset (PM2_Supporting). In summary, this variant is a VUS for FAP based on the ACMG/AMP criteria applied, as specified by the ClinGen InSiGHT Hereditary Colorectal Cancer/Polyposis Variant Curation Expert Panel: PS4_Supporting, PM2_Supporting (VCEP specifications version 1; date of approval 12/12/2022).

Labcorp Genetics (formerly Invitae), Labcorp
Classification: Pathogenic for Familial adenomatous polyposis 1. Last evaluated: 2026-01-11. Review status: criteria provided, single submitter. Criteria: Invitae Variant Classification Sherloc (09022015). Collection method: clinical testing. Allele origin: germline. Not counted in ClinVar's aggregate classification.
Comment: This sequence change falls in intron 4 of the APC gene. It does not directly change the encoded amino acid sequence of the APC protein. RNA analysis indicates that this variant induces altered splicing and may result in an absent or altered protein product. The frequency data for this variant in the population databases is considered unreliable, as metrics indicate poor data quality at this position in the gnomAD database. This variant has been observed in individuals with clinical features of APC-related conditions (PMID: 20223039, 23159591, 33011440; internal data). It has also been observed to segregate with disease in related individuals. ClinVar contains an entry for this variant (Variation ID: 217982). Variants that disrupt the consensus splice site are a relatively common cause of aberrant splicing (PMID: 17576681, 9536098). Studies have shown that this variant results in skipping of exon 5, and produces a non-functional protein and/or introduces a premature termination codon (PMID: 33011440; internal data). For these reasons, this variant has been classified as Pathogenic.

GeneDx
Classification: Pathogenic. Last evaluated: 2025-06-30. Review status: criteria provided, single submitter. Criteria: GeneDx Variant Classification Process June 2021. Collection method: clinical testing. Allele origin: germline. Affected: yes. Not counted in ClinVar's aggregate classification.
Comment: Canonical splice site variant predicted to result in a null allele in a gene for which loss of function is a known mechanism of disease; Also known as c.423-3T>A; Not observed at significant frequency in large population cohorts (gnomAD); This variant is associated with the following publications: (PMID: 23159591, 20223039, 28051113, 28152038, 33436027, 30580288, 33011440)

Quest Diagnostics Nichols Institute San Juan Capistrano
Classification: Uncertain significance. Last evaluated: 2024-03-11. Review status: criteria provided, single submitter. Criteria: Quest Diagnostics criteria. Collection method: clinical testing. Allele origin: unknown. Not counted in ClinVar's aggregate classification.
Comment: The APC c.423-3_423-2del variant has not been reported in individuals with APC-related conditions in the published literature. However, similar overlapping intronic variants have been reported in individuals affected with familial adenomatous polyposis (PMID: 30580288 (2019)), and may impact splicing (PMIDs: 33436027 (2021), 33011440 (2020)). The frequency of this variant in the general population, 0.0000041 (1/243264 chromosomes (Genome Aggregation Database)), is uninformative in the assessment of its pathogenicity. Analysis of this variant using software algorithms for the prediction of the effect of nucleotide changes on APC mRNA splicing yielded inconclusive findings. Based on the available information, we are unable to determine the clinical significance of this variant.

Ambry Genetics
Classification: Pathogenic for Hereditary cancer-predisposing syndrome. Last evaluated: 2024-02-27. Review status: criteria provided, single submitter. Criteria: Ambry Variant Classification Scheme 2023. Collection method: clinical testing. Allele origin: germline. Not counted in ClinVar's aggregate classification.
Comment: The c.423-3_423-2delTA intronic pathogenic mutation results from a deletion of two nucleotides at positions c.423-3 and c.423-2 and involves the canonical splice acceptor site before coding exon 4 of the APC gene. Although In silico splice site analysis for this alteration is inconclusive, RNA studies have demonstrated that this alteration results in abnormal splicing in the set of samples tested (Ambry internal data). This variant has been observed in multiple individuals with a personal and/or family history that is consistent with APC-associated polyposis conditions (Ambry internal data). Based on the supporting evidence, this alteration is interpreted as a disease-causing mutation.

Baylor Genetics
Classification: Likely pathogenic for Familial adenomatous polyposis 1. Last evaluated: 2024-02-01. Review status: criteria provided, single submitter. Criteria: ACMG Guidelines, 2015. Collection method: clinical testing. Allele origin: unknown. Not counted in ClinVar's aggregate classification.

Color Diagnostics, LLC DBA Color Health
Classification: Likely pathogenic for Hereditary cancer-predisposing syndrome. Last evaluated: 2023-01-06. Review status: criteria provided, single submitter. Criteria: ACMG Guidelines, 2015. Collection method: clinical testing. Allele origin: germline. Not counted in ClinVar's aggregate classification.
Comment: This variant deletes two basepairs, c.423-3_423-2del, in the intron 4 acceptor site of the APC gene. This variant is reported to cause abnormal splicing (ClinVar SCV001183798.3) and two similar variants c.423-5_423-3del (synonymous to c.423-4_423-2del) and c.423-3T>A have been reported to cause an estimated 80% to complete out-of-frame skipping of exon 5, respectively (PMID: 25676610, 33011440). This variant is highly similar to c.423-3T>A in terms of the variant acceptor site and its predicted splicing impact, and it may be reported as this alternate cDNA variant description by external laboratories and databases. The variant creates a premature translational stop signal and is expected to result in an absent or non-functional protein product. This variant has been reported in an individual affected with colorectal adenoma (PMID: 33436027) and in individuals with clinical diagnosis of familial adenomatous polyposis, attenuated familial adenomatous polyposis or clinical features of APC-related conditions (ClinVar: SCV000552499.7, SCV001183798.3). Similar variants, c.423-3T>A and c.423-3delT have been reported in multiple individuals affected with familial adenomatous polyposis (PMID: 20223039, 30580288; External laboratory communication (ClinVar: SCV000186122.8, SCV000814096.5)) and c.423-3T>A has been reported to segregate with disease in multiple members of a family affected by polyposis or colorectal cancer (PMID: 30580288). This variant has been identified in 1/243264 chromosomes in the general population by the Genome Aggregation Database (gnomAD). Based on the available evidence, this variant is classified as Likely Pathogenic.

Mayo Clinic Laboratories, Mayo Clinic
Classification: Uncertain significance. Review status: no assertion criteria provided. Collection method: research. Allele origin: unknown. Observed: 1 variant allele. Not counted in ClinVar's aggregate classification.

Literature cited by the submitters: PubMed 20223039 (cited by 3 submitters); PubMed 23159591 (cited by Labcorp Genetics (formerly Invitae), Labcorp); PubMed 33011440 (cited by Labcorp Genetics (formerly Invitae), Labcorp and Color Diagnostics, LLC DBA Color Health); PubMed 17576681 (cited by Labcorp Genetics (formerly Invitae), Labcorp); PubMed 9536098 (cited by Labcorp Genetics (formerly Invitae), Labcorp); PubMed 25676610 (cited by Color Diagnostics, LLC DBA Color Health); PubMed 30580288 (cited by Color Diagnostics, LLC DBA Color Health); PubMed 33436027 (cited by Color Diagnostics, LLC DBA Color Health).